The following is an entry in ClinVar:

ClinVar aggregate classification (germline): Uncertain significance. Review status: criteria provided, multiple submitters, no conflicts (2 of 4 stars). 2 submissions from 2 submitters: Uncertain significance (2). Last evaluated 2025-05-21.

Conditions:
Hereditary cancer-predisposing syndrome. Also called: Hereditary Cancer Syndrome; Hereditary neoplastic syndrome; Neoplastic Syndromes, Hereditary; Tumor predisposition. Identifiers: Orphanet 140162, MedGen C0027672, MeSH D009386, MONDO:0015356.
Familial cancer of breast. Also called: Hereditary breast cancer; BREAST CANCER, FAMILIAL; hereditary breast carcinoma. Identifiers: Orphanet 227535, MedGen C0346153, MONDO:0016419, OMIM 114480. Disease mechanism: loss of function.

Submissions (2):

Ambry Genetics
Classification: Uncertain significance for Hereditary cancer-predisposing syndrome. Last evaluated: 2025-05-21. Review status: criteria provided, single submitter. Criteria: Ambry Variant Classification Scheme 2023. Collection method: clinical testing. Allele origin: germline.
Comment: The c.1201_1209delACTGCTGGG variant (also known as p.T401_G403del) is located in coding exon 10 of the CHEK2 gene. This variant results from an in-frame ACTGCTGGG deletion at nucleotide positions 1201 to 1209. This results in the in-frame deletion of 3 amino acids at codons 401 to 403. This amino acid region is not well conserved in available vertebrate species. In addition, this variant is predicted to be deleterious by in silico analysis (Choi Y et al. PLoS ONE. 2012; 7(10):e46688). Based on the available evidence, the clinical significance of this variant remains unclear.

Labcorp Genetics (formerly Invitae), Labcorp
Classification: Uncertain significance for Familial cancer of breast. Last evaluated: 2024-11-10. Review status: criteria provided, single submitter. Criteria: Invitae Variant Classification Sherloc (09022015). Collection method: clinical testing. Allele origin: germline.
Comment: This variant, c.1201_1209del, results in the deletion of 3 amino acid(s) of the CHEK2 protein (p.Thr401_Gly403del), but otherwise preserves the integrity of the reading frame. This variant is not present in population databases (gnomAD no frequency). This variant has not been reported in the literature in individuals affected with CHEK2-related conditions. Experimental studies and prediction algorithms are not available or were not evaluated, and the functional significance of this variant is currently unknown. In summary, the available evidence is currently insufficient to determine the role of this variant in disease. Therefore, it has been classified as a Variant of Uncertain Significance.

NM_007194.4(CHEK2):c.1201_1209del (p.Thr401_Gly403del)

Gene: CHEK2 (checkpoint kinase 2; minus strand). Cytogenetic location: 22q12.1.
Variant type: Deletion.
Coding change: c.1201_1209del on transcript NM_007194.4 (MANE Select); coding-DNA positions 1201 to 1209, 9 bases deleted (ACTGCTGGG; older notation c.1201_1209delACTGCTGGG).
Protein change: p.Thr401_Gly403del.
Molecular consequence: inframe deletion. On other transcripts: inframe indel (4).
Genome position (GRCh38, 1-based): chr22:28,695,760-28,695,768, CCCAGCAGT deleted on the plus strand (ACTGCTGGG on the coding strand, the reverse complement: CHEK2 is on the minus strand); deleting any 9 consecutive bases within chr22:28,695,760-28,695,772 gives the same sequence; the c. name uses the placement nearest the transcript's 3' end. VCF-style (leftmost placement, unchanged base first): chr22-28695759-ACCCAGCAGT-A. GRCh37 (hg19) VCF-style: chr22-29091747-ACCCAGCAGT-A.
Other names: c.1326_1334delTGGGACTGC, p.Thr444_Gly446del (NM_001005735.3); c.534_542delTGGGACTGC, p.Thr180_Gly182del (NM_001257387.3); c.996_1004delTGGGACTGC, p.Thr334_Gly336del (NM_001349956.3); c.1110_1118delTGGGACTGC, p.Thr372_Gly374del (NM_145862.3).
Identifiers: ClinVar variation 3724942 (VCV003724942.3).